The following is an entry in ClinVar:

ClinVar aggregate classification (germline): Uncertain significance (1 of 4 stars; one submission).

Conditions:
TMC1-related disorder. Also called: TMC1-related condition; TMC1-related disorders.

Allele frequency attached by ClinVar (database versions not stated): TOPMed below 0.00001; ExAC 0.00001; gnomAD 0.00001; gnomAD exomes 0.00001.
gnomAD v4.1: 10 of 1,613,634 alleles (0.00062%); highest among the groups gnomAD compares: Non-Finnish European, 0.00085%; no homozygotes.

Submission:

PreventionGenetics, part of Exact Sciences
Classification: Uncertain significance for TMC1-related condition. Last evaluated: 2023-06-22. Review status: criteria provided, single submitter. Criteria: ACMG Guidelines, 2015. Collection method: clinical testing. Allele origin: germline.
Comment: The TMC1 c.2237A>G variant is predicted to result in the amino acid substitution p.Lys746Arg. To our knowledge, this variant has not been reported in the literature. This variant is reported in 0.0026% of alleles in individuals of European (Non-Finnish) descent in gnomAD. At this time, the clinical significance of this variant is uncertain due to the absence of conclusive functional and genetic evidence.

NM_138691.3(TMC1):c.2237A>G (p.Lys746Arg)

Gene: TMC1 (transmembrane channel like 1; plus strand). Cytogenetic location: 9q21.13.
Variant type: single nucleotide variant.
Coding change: c.2237A>G on transcript NM_138691.3 (MANE Select); coding-DNA position 2237, A replaced by G.
Protein change: p.Lys746Arg; replaces lysine 746 with arginine.
Molecular consequence: missense variant.
Genome position (GRCh38, 1-based): chr9:72,830,659, A>G. VCF-style: chr9-72830659-A-G. GRCh37 (hg19) VCF-style: chr9-75445575-A-G.
Other names: short protein forms K746R.
Identifiers: ClinVar variation 2632483 (VCV002632483.1), dbSNP rs753763142, ClinGen allele CA5082201.